The following is an entry in ClinVar:

NM_022893.4(BCL11A):c.202C>T (p.Arg68Trp)

Gene: BCL11A (BCL11 transcription factor A; minus strand). Cytogenetic location: 2p16.1.
Variant type: single nucleotide variant.
Coding change: c.202C>T on transcript NM_022893.4 (MANE Select); coding-DNA position 202, C replaced by T.
Protein change: p.Arg68Trp; replaces arginine 68 with tryptophan.
Molecular consequence: missense variant. On other transcripts: 5 prime UTR variant (7).
Genome position (GRCh38, 1-based): chr2:60,546,154, G>A on the plus strand (C>T on the coding strand, the complement: BCL11A is on the minus strand). VCF-style: chr2-60546154-G-A. GRCh37 (hg19) VCF-style: chr2-60773289-G-A.
Other names: c.202C>T, p.Arg68Trp (NM_001363864.1, NM_001365609.1, NM_001405708.1 and 10 more transcripts); c.46C>T, p.Arg16Trp (NM_001405713.1, NM_001405714.1, NM_001405715.1 and 10 more transcripts); c.-224C>T (NM_001405720.1, NM_001405721.1); c.-474C>T (NM_001405725.1, NM_001405726.1, NM_001405731.1); c.-331C>T (NM_001405727.1, NM_001405728.1); short protein forms R16W, R68W.
Identifiers: ClinVar variation 2827166 (VCV002827166.3), dbSNP rs1479824074, ClinGen allele CA347040882.

ClinVar aggregate classification (germline): Uncertain significance (1 of 4 stars; one submission).

Allele frequency attached by ClinVar (database versions not stated): gnomAD exomes below 0.00001.

Submission:

Labcorp Genetics (formerly Invitae), Labcorp
Classification: Uncertain significance. Last evaluated: 2023-01-10. Review status: criteria provided, single submitter. Criteria: Invitae Variant Classification Sherloc (09022015). Collection method: clinical testing. Allele origin: germline.
Comment: In summary, the available evidence is currently insufficient to determine the role of this variant in disease. Therefore, it has been classified as a Variant of Uncertain Significance. Algorithms developed to predict the effect of missense changes on protein structure and function are either unavailable or do not agree on the potential impact of this missense change (SIFT: "Deleterious"; PolyPhen-2: "Probably Damaging"; Align-GVGD: "Class C0"). This variant has not been reported in the literature in individuals affected with BCL11A-related conditions. This variant is present in population databases (no rsID available, gnomAD 0.006%). This sequence change replaces arginine, which is basic and polar, with tryptophan, which is neutral and slightly polar, at codon 68 of the BCL11A protein (p.Arg68Trp).